The following is an entry in ClinVar:

NM_020699.4(GATAD2B):c.882C>T (p.Pro294=)

Gene: GATAD2B (GATA zinc finger domain containing 2B; minus strand). Cytogenetic location: 1q21.3.
Variant type: single nucleotide variant.
Coding change: c.882C>T on transcript NM_020699.4 (MANE Select); coding-DNA position 882, C replaced by T.
Protein change: p.Pro294=; no amino-acid change (proline 294 retained).
Molecular consequence: synonymous variant.
Genome position (GRCh38, 1-based): chr1:153,817,390, G>A on the plus strand (C>T on the coding strand, the complement: GATAD2B is on the minus strand). VCF-style: chr1-153817390-G-A. GRCh37 (hg19) VCF-style: chr1-153789866-G-A.
Identifiers: ClinVar variation 745188 (VCV000745188.28), dbSNP rs150972720, ClinGen allele CA1120755.
Genomic context (GRCh38, chr1:153,817,390, plus strand): 5'-GGGATTTCTCTGTTTCCACATTAGGGCTCAGCTCTCTCTTACCGGTTGATAATTGATGGC[G>A]GGATTCATGTTGGGTGTTGTGGTGCGTACAAGGCCAGGCTTAGGCGGGCCCCGCTGACCC-3'
Protein context (NP_065750.1, residues 284-304): LVRTTTPNMN[Pro294=]AINYQPQSSS

ClinVar aggregate classification (germline): Conflicting classifications of pathogenicity. Review status: criteria provided, conflicting classifications (1 of 4 stars). 4 submissions from 4 submitters: Uncertain significance (1); Likely benign (3). Last evaluated 2026-01-26.

Conditions:
Severe intellectual disability-poor language-strabismus-grimacing face-long fingers syndrome (GAND). Also called: GAND SYNDROME. Identifiers: Orphanet 363686, MedGen C3554448, MONDO:0014034, OMIM 615074.

Allele frequency attached by ClinVar (database versions not stated): gnomAD exomes 0.00002 and 0.00003; ExAC 0.00004; gnomAD 0.00005 and 0.00006; TOPMed 0.00006; ESP Exome Variant Server 0.00008.
gnomAD v4.1: 42 of 1,574,706 alleles (0.0027%); highest among the groups gnomAD compares: African/African-American, 0.012%; no homozygotes.

Submissions (4):

Labcorp Genetics (formerly Invitae), Labcorp
Classification: Likely benign. Last evaluated: 2026-01-26. Review status: criteria provided, single submitter. Criteria: Invitae Variant Classification Sherloc (09022015). Collection method: clinical testing. Allele origin: germline.

CeGaT Center for Human Genetics Tuebingen
Classification: Likely benign. Last evaluated: 2024-11-01. Review status: criteria provided, single submitter. Criteria: CeGaT Center For Human Genetics Tuebingen Variant Classification Criteria Version 2. Collection method: clinical testing. Allele origin: germline. Affected: yes. Observed: 2 variant alleles.
Comment: GATAD2B: BP4, BP7

Blueprint Genetics
Classification: Likely benign. Last evaluated: 2024-09-09. Review status: criteria provided, single submitter. Criteria: ACMG Guidelines, 2015. Collection method: clinical testing. Allele origin: germline.

Revvity Omics, Revvity
Classification: Uncertain significance for Severe intellectual disability-poor language-strabismus-grimacing face-long fingers syndrome. Last evaluated: 2019-03-21. Review status: criteria provided, single submitter. Criteria: ACMG Guidelines, 2015. Collection method: clinical testing. Allele origin: germline.